The following is an entry in ClinVar:

ClinVar aggregate classification (germline): Likely benign. Review status: criteria provided, multiple submitters, no conflicts (2 of 4 stars). 3 submissions from 3 submitters: Likely benign (3). Last evaluated 2026-06-12.

Conditions:
Long QT syndrome (LQTS). Identifiers: MedGen C0023976, MeSH D008133, MONDO:0002442. Disease mechanism: loss of function. Inheritance: Various modes of inheritance.
CACNA1C-related disorder. Also called: CACNA1C-related condition; CACNA1C-related disorders. Identifiers: MedGen CN381092, MONDO:0700321.
Cardiovascular phenotype. Identifiers: MedGen CN230736.

Allele frequency attached by ClinVar (database versions not stated): gnomAD exomes 0.00002 and 0.00004; ExAC 0.00004; gnomAD 0.00002 and 0.00003; TOPMed 0.00002.
gnomAD v4.1: 62 of 1,598,624 alleles (0.0039%); highest among the groups gnomAD compares: Non-Finnish European, 0.0047%; no homozygotes.

Submissions (3):

PreventionGenetics, part of Exact Sciences
Classification: Likely benign for CACNA1C-related condition. Last evaluated: 2026-06-12. Review status: criteria provided, single submitter. Criteria: ACMG Guidelines, 2015. Collection method: clinical testing. Allele origin: germline.
Comment: This variant is classified as likely benign based on ACMG/AMP sequence variant interpretation guidelines (Richards et al. 2015 PMID: 25741868, with internal and published modifications).

Labcorp Genetics (formerly Invitae), Labcorp
Classification: Likely benign for Long QT syndrome. Last evaluated: 2025-12-13. Review status: criteria provided, single submitter. Criteria: Invitae Variant Classification Sherloc (09022015). Collection method: clinical testing. Allele origin: germline.

Ambry Genetics
Classification: Likely benign for Cardiovascular phenotype. Last evaluated: 2022-09-08. Review status: criteria provided, single submitter. Criteria: Ambry Variant Classification Scheme 2023. Collection method: clinical testing. Allele origin: germline.

Literature cited by the submitters: PubMed 27930701 (cited by Ambry Genetics).

NM_000719.7(CACNA1C):c.1649A>G (p.Asn550Ser)

Gene: CACNA1C (calcium voltage-gated channel subunit alpha1 C; plus strand). Cytogenetic location: 12p13.33.
Variant type: single nucleotide variant.
Coding change: c.1649A>G on transcript NM_000719.7 (MANE Select); coding-DNA position 1649, A replaced by G.
Protein change: p.Asn550Ser; replaces asparagine 550 with serine.
Molecular consequence: missense variant.
Genome position (GRCh38, 1-based): chr12:2,566,562, A>G. VCF-style: chr12-2566562-A-G. GRCh37 (hg19) VCF-style: chr12-2675728-A-G.
Other names: c.1649A>G, p.Asn550Ser (NM_001129827.2, NM_001129829.2, NM_001129830.3 and 18 more transcripts); c.1640A>G, p.Asn547Ser (NM_001129844.2); short protein forms N550S, N547S.
Identifiers: ClinVar variation 575658 (VCV000575658.11), dbSNP rs781306162, ClinGen allele CA6388825.
Genomic context (GRCh38, chr12:2,566,562, plus strand): 5'-TGATTTTCCTGGTGTTCCTCAACACGCTCACCATTGCCTCTGAGCACTACAACCAGCCCA[A>G]CTGGCTCACAGAAGTCCAAGGTGAGCGGCGGCCCCAGCTCTGCTCTGGTTTCCTCCTGGT-3'
Protein context (NP_000710.5, residues 540-560): TIASEHYNQP[Asn550Ser]WLTEVQDTAN